The following is an entry in ClinVar:

NM_020921.4(NIN):c.2089C>T (p.His697Tyr)

Gene: NIN (ninein; minus strand). Cytogenetic location: 14q22.1.
Variant type: single nucleotide variant.
Coding change: c.2089C>T on transcript NM_020921.4 (MANE Select); coding-DNA position 2089, C replaced by T.
Protein change: p.His697Tyr; replaces histidine 697 with tyrosine.
Molecular consequence: missense variant.
Genome position (GRCh38, 1-based): chr14:50,760,167, G>A on the plus strand (C>T on the coding strand, the complement: NIN is on the minus strand). VCF-style: chr14-50760167-G-A. GRCh37 (hg19) VCF-style: chr14-51226885-G-A.
Other names: c.2089C>T, p.His697Tyr (NM_016350.5, NM_182944.3, NM_182946.2); short protein forms H697Y.
Identifiers: ClinVar variation 3700074 (VCV003700074.3).

ClinVar aggregate classification (germline): Uncertain significance (1 of 4 stars; one submission).

gnomAD v4.1: 3 of 1,614,090 alleles (0.00019%); highest among the groups gnomAD compares: Non-Finnish European, 0.00025%; no homozygotes.

Submissions (2):

Labcorp Genetics (formerly Invitae), Labcorp
Classification: Uncertain significance. Last evaluated: 2024-09-08. Review status: criteria provided, single submitter. Criteria: Invitae Variant Classification Sherloc (09022015). Collection method: clinical testing. Allele origin: germline.
Comment: This sequence change replaces histidine, which is basic and polar, with tyrosine, which is neutral and polar, at codon 697 of the NIN protein (p.His697Tyr). This variant is present in population databases (rs775856001, gnomAD 0.002%). This variant has not been reported in the literature in individuals affected with NIN-related conditions. An algorithm developed to predict the effect of missense changes on protein structure and function outputs the following: PolyPhen-2: "Benign". The tyrosine amino acid residue is found in multiple mammalian species, which suggests that this missense change does not adversely affect protein function. In summary, the available evidence is currently insufficient to determine the role of this variant in disease. Therefore, it has been classified as a Variant of Uncertain Significance.

Dr. Peter K. Rogan Lab, Western University
No classification provided (evidence only). Condition: Cervical cancer. Review status: no classification provided. Collection method: in vitro. Allele origin: not applicable. Functional consequence: skipped exon. Not counted in ClinVar's aggregate classification.